The following is an entry in ClinVar:

NM_000138.5(FBN1):c.2773C>G (p.Leu925Val)

Gene: FBN1 (fibrillin 1; minus strand). Cytogenetic location: 15q21.1.
Variant type: single nucleotide variant.
Coding change: c.2773C>G on transcript NM_000138.5 (MANE Select); coding-DNA position 2773, C replaced by G.
Protein change: p.Leu925Val; replaces leucine 925 with valine.
Molecular consequence: missense variant.
Genome position (GRCh38, 1-based): chr15:48,492,542, G>C on the plus strand (C>G on the coding strand, the complement: FBN1 is on the minus strand). VCF-style: chr15-48492542-G-C. GRCh37 (hg19) VCF-style: chr15-48784739-G-C.
Other names: short protein forms L925V.
Identifiers: ClinVar variation 519754 (VCV000519754.45), dbSNP rs149681175, ClinGen allele CA048830.

ClinVar aggregate classification (germline): Conflicting classifications of pathogenicity. Review status: criteria provided, conflicting classifications (1 of 4 stars). 9 submissions from 9 submitters: Uncertain significance (6); Benign (1); Likely benign (2). Last evaluated 2025-11-20.

Conditions:
Marfan syndrome (MFS). Also called: Marfan syndrome type 1; Marfan syndrome, classic; FBN1-Related Marfan Syndrome; Marfan's syndrome; MARFAN SYNDROME, TYPE I. Identifiers: Orphanet 284963, Orphanet 558, MedGen C0024796, MONDO:0007947, OMIM 154700.
Familial thoracic aortic aneurysm and aortic dissection (TAAD). Also called: Thoracic aortic aneurysms and dissections. Identifiers: Orphanet 91387, MedGen C4707243, MONDO:0019625.
Weill-Marchesani syndrome 2, dominant. Also called: FBN1-Related Weill-Marchesani Syndrome; Weill-Marchesani Syndrome, Autosomal Dominant. Identifiers: Orphanet 2084, MedGen C1869115, MONDO:0012013, OMIM 608328.
Ectopia lentis 1, isolated, autosomal dominant (ECTOL1). Identifiers: Orphanet 1885, MedGen C3541518, MONDO:0007514, OMIM 129600.
Acromicric dysplasia (ACMICD). Also called: Acromicric skeletal dysplasia. Identifiers: Orphanet 969, MedGen C0265287, MONDO:0007055, OMIM 102370.
Progeroid and marfanoid aspect-lipodystrophy syndrome. Also called: MARFANOID-PROGEROID-LIPODYSTROPHY SYNDROME; MARFANOID-PROGEROID SYNDROME; MARFAN-PROGEROID-LIPODYSTROPHY SYNDROME; Marfan lipodystrophy syndrome. Identifiers: Orphanet 300382, MedGen C4310796, MONDO:0014831, OMIM 616914.
MASS syndrome (OCTD). Also called: MASS PHENOTYPE; OVERLAP CONNECTIVE TISSUE DISEASE. Identifiers: MedGen C1858556, MONDO:0011431, OMIM 604308.
Stiff skin syndrome (SSKS). Identifiers: Orphanet 2833, MedGen C1861456, MONDO:0008492, OMIM 184900.
Geleophysic dysplasia 2 (GPHYSD2). Identifiers: Orphanet 2623, MedGen C3280054, MONDO:0013612, OMIM 614185.

Allele frequency attached by ClinVar (database versions not stated): ExAC 0.00001; gnomAD 0.00001; gnomAD exomes 0.00002 and 0.00005; TOPMed 0.00002; ESP Exome Variant Server 0.00008; 1000 Genomes Project 30x 0.00016; 1000 Genomes Project 0.00020.
gnomAD v4.1: 83 of 1,612,074 alleles (0.0051%); highest among the groups gnomAD compares: Non-Finnish European, 0.0062%; no homozygotes.

Submissions (9):

Labcorp Genetics (formerly Invitae), Labcorp
Classification: Benign for Marfan syndrome; Familial thoracic aortic aneurysm and aortic dissection. Last evaluated: 2025-11-20. Review status: criteria provided, single submitter. Criteria: Invitae Variant Classification Sherloc (09022015). Collection method: clinical testing. Allele origin: germline.

CeGaT Center for Human Genetics Tuebingen
Classification: Likely benign. Last evaluated: 2025-08-01. Review status: criteria provided, single submitter. Criteria: CeGaT Center For Human Genetics Tuebingen Variant Classification Criteria Version 2. Collection method: clinical testing. Allele origin: germline. Affected: yes. Observed: 2 variant alleles.
Comment: FBN1: PP2, BP4, BS2

GeneDx
Classification: Uncertain significance. Last evaluated: 2024-09-30. Review status: criteria provided, single submitter. Criteria: GeneDx Variant Classification Process June 2021. Collection method: clinical testing. Allele origin: germline. Affected: yes.
Comment: Has not been previously published as pathogenic or benign to our knowledge; Not observed at significant frequency in large population cohorts (gnomAD); In silico analysis indicates that this missense variant does not alter protein structure/function; Does not affect a cysteine or calcium-binding residue within an EGF-like domain or a TGF-binding protein domain of the FBN1 gene; cysteine substitutions in the EGF-like domains represent the majority of pathogenic missense changes associated with FBN1-related disorders (PMID: 12938084); This variant is associated with the following publications: (PMID: 12938084)

All of Us Research Program, National Institutes of Health
Classification: Uncertain significance for Marfan syndrome. Last evaluated: 2024-08-13. Review status: criteria provided, single submitter. Criteria: ACMG Guidelines, 2015. Collection method: clinical testing. Allele origin: germline. Inheritance: Autosomal dominant inheritance. Observed: 13 variant alleles, 13 heterozygotes.
Comment: This missense variant replaces leucine with valine at codon 925 of the FBN1 protein. Computational prediction suggests that this variant may not impact protein structure and function (internally defined REVEL score threshold <= 0.5, PMID: 27666373). To our knowledge, functional studies have not been reported for this variant. This variant has not been reported in individuals affected with cardiovascular disorders in the literature. This variant has been identified in 4/251424 chromosomes in the general population by the Genome Aggregation Database (gnomAD). The available evidence is insufficient to determine the role of this variant in disease conclusively. Therefore, this variant is classified as a Variant of Uncertain Significance.

This study involves interpretation of variants in research participants for the purpose of population health screening. Participant phenotype was not available at the time of variant classification. Additional details can be found in publication PMID: 35346344, PMCID: PMC8962531

Color Diagnostics, LLC DBA Color Health
Classification: Uncertain significance for Familial thoracic aortic aneurysm and aortic dissection. Last evaluated: 2024-05-30. Review status: criteria provided, single submitter. Criteria: ACMG Guidelines, 2015. Collection method: clinical testing. Allele origin: germline.
Comment: This missense variant replaces leucine with valine at codon 925 of the FBN1 protein. Computational prediction tools indicate that this variant has a neutral impact on protein structure and function. To our knowledge, functional studies have not been reported for this variant. This variant has been reported in two individuals affected with hypermobile Ehlers-Danlos syndrome (PMID: 38534782). This variant has been identified in 4/251424 chromosomes in the general population by the Genome Aggregation Database (gnomAD). The available evidence is insufficient to determine the role of this variant in disease conclusively. Therefore, this variant is classified as a Variant of Uncertain Significance.

Blueprint Genetics
Classification: Likely benign. Last evaluated: 2024-02-08. Review status: criteria provided, single submitter. Criteria: ACMG Guidelines, 2015. Collection method: clinical testing. Allele origin: germline.

Fulgent Genetics
Classification: Uncertain significance for Acromicric dysplasia; Ectopia lentis 1, isolated, autosomal dominant; Marfan syndrome; Stiff skin syndrome; MASS syndrome; Weill-Marchesani syndrome 2, dominant; Geleophysic dysplasia 2; Progeroid and marfanoid aspect-lipodystrophy syndrome. Last evaluated: 2021-12-13. Review status: criteria provided, single submitter. Criteria: ACMG Guidelines, 2015. Collection method: clinical testing. Allele origin: unknown.

Women's Health and Genetics/Laboratory Corporation of America, LabCorp
Classification: Uncertain significance. Last evaluated: 2017-12-01. Review status: criteria provided, single submitter. Criteria: LabCorp Variant Classification Summary - May 2015. Collection method: clinical testing. Allele origin: germline.
Comment: Variant summary: The FBN1 c.2773C>G (p.Leu925Val) variant involves the alteration of a non-conserved nucleotide. 3/3 in silico tools predict a benign outcome for this variant (SNPsandGO not captured due to low reliability index). This variant was found in 4/246236 control chromosomes at a frequency of 0.0000162, which does not exceed the estimated maximal expected allele frequency of a pathogenic FBN1 variant (0.0001125). The variant of interest has not, to our knowledge, been reported in affected individuals via publications and/or reputable databases/clinical diagnostic laboratories; nor evaluated for functional impact by in vivo/vitro studies. Because of the absence of clinical information and the lack of functional studies, the variant is classified as a variant of uncertain significance (VUS) until additional information becomes available.

Ambry Genetics
Classification: Uncertain significance for Familial thoracic aortic aneurysm and aortic dissection. Last evaluated: 2017-01-12. Review status: criteria provided, single submitter. Criteria: Ambry Variant Classification Scheme 2023. Collection method: clinical testing. Allele origin: germline.
Comment: The p.L925V variant (also known as c.2773C>G), located in coding exon 23 of the FBN1 gene, results from a C to G substitution at nucleotide position 2773. The leucine at codon 925 is replaced by valine, an amino acid with highly similar properties. This amino acid position is poorly conserved in available vertebrate species, and valine is the reference amino acid in other vertebrate species. In addition, this alteration is predicted to be tolerated by in silico analysis. Since supporting evidence is limited at this time, the clinical significance of this alteration remains unclear.

Literature cited by the submitters: PubMed 38534782 (cited by Color Diagnostics, LLC DBA Color Health).